The following is an entry in ClinVar:

NM_000875.5(IGF1R):c.296T>A (p.Leu99His)

Gene: IGF1R (insulin like growth factor 1 receptor; plus strand). Cytogenetic location: 15q26.3.
Variant type: single nucleotide variant.
Coding change: c.296T>A on transcript NM_000875.5 (MANE Select); coding-DNA position 296, T replaced by A.
Protein change: p.Leu99His; replaces leucine 99 with histidine.
Molecular consequence: missense variant.
Genome position (GRCh38, 1-based): chr15:98,707,763, T>A. VCF-style: chr15-98707763-T-A. GRCh37 (hg19) VCF-style: chr15-99250992-T-A.
Other names: c.296T>A, p.Leu99His (NM_001291858.2); short protein forms L99H.
Identifiers: ClinVar variation 2070240 (VCV002070240.4), dbSNP rs2505515638, ClinGen allele CA393696961.

ClinVar aggregate classification (germline): Uncertain significance (1 of 4 stars; one submission).

Submission:

Labcorp Genetics (formerly Invitae), Labcorp
Classification: Uncertain significance. Last evaluated: 2022-06-01. Review status: criteria provided, single submitter. Criteria: Invitae Variant Classification Sherloc (09022015). Collection method: clinical testing. Allele origin: germline.
Comment: This sequence change replaces leucine, which is neutral and non-polar, with histidine, which is basic and polar, at codon 99 of the IGF1R protein (p.Leu99His). This variant is not present in population databases (gnomAD no frequency). This variant has not been reported in the literature in individuals affected with IGF1R-related conditions. Algorithms developed to predict the effect of missense changes on protein structure and function are either unavailable or do not agree on the potential impact of this missense change (SIFT: "Deleterious"; PolyPhen-2: "Probably Damaging"; Align-GVGD: "Class C0"). In summary, the available evidence is currently insufficient to determine the role of this variant in disease. Therefore, it has been classified as a Variant of Uncertain Significance.